The following is an entry in ClinVar:

ClinVar aggregate classification (germline): Benign/Likely benign. Review status: criteria provided, multiple submitters, no conflicts (2 of 4 stars). 3 submissions from 3 submitters: Benign (1); Likely benign (2). Last evaluated 2025-01-06.

Conditions:
Oligodontia-cancer predisposition syndrome. Also called: TOOTH AGENESIS-COLORECTAL CANCER SYNDROME. Identifiers: Orphanet 300576, MedGen C1837750, MONDO:0012075, OMIM 608615. Disease mechanism: loss of function.
Hereditary cancer-predisposing syndrome. Also called: Hereditary neoplastic syndrome; Hereditary Cancer Syndrome; Tumor predisposition; Neoplastic Syndromes, Hereditary. Identifiers: Orphanet 140162, MedGen C0027672, MeSH D009386, MONDO:0015356.

Allele frequency attached by ClinVar (database versions not stated): gnomAD exomes below 0.00001.
gnomAD v4.1: 3 of 1,613,818 alleles (0.00019%); highest among the groups gnomAD compares: Non-Finnish European, 0.00025%; no homozygotes.

Submissions (3):

Ambry Genetics
Classification: Likely benign for Hereditary cancer-predisposing syndrome. Last evaluated: 2025-01-06. Review status: criteria provided, single submitter. Criteria: Ambry Variant Classification Scheme 2023. Collection method: clinical testing. Allele origin: germline.

Labcorp Genetics (formerly Invitae), Labcorp
Classification: Likely benign for Oligodontia-cancer predisposition syndrome. Last evaluated: 2024-07-28. Review status: criteria provided, single submitter. Criteria: Invitae Variant Classification Sherloc (09022015). Collection method: clinical testing. Allele origin: germline.

Myriad Genetics, Inc.
Classification: Benign for Oligodontia-cancer predisposition syndrome. Last evaluated: 2024-07-09. Review status: criteria provided, single submitter. Criteria: Myriad Autosomal Dominant, Autosomal Recessive and X-Linked Classification Criteria (2023). Collection method: clinical testing. Allele origin: unknown.
Comment: This variant is considered benign. This variant is a silent/synonymous amino acid change and it is not expected to impact splicing.

NM_004655.4(AXIN2):c.2067C>G (p.Thr689=)

Gene: AXIN2 (axin 2; minus strand). Cytogenetic location: 17q24.1.
Variant type: single nucleotide variant.
Coding change: c.2067C>G on transcript NM_004655.4 (MANE Select); coding-DNA position 2067, C replaced by G.
Protein change: p.Thr689=; no amino-acid change (threonine 689 retained).
Molecular consequence: synonymous variant.
Genome position (GRCh38, 1-based): chr17:65,536,394, G>C on the plus strand (C>G on the coding strand, the complement: AXIN2 is on the minus strand). VCF-style: chr17-65536394-G-C. GRCh37 (hg19) VCF-style: chr17-63532512-G-C.
Other names: c.2067C>G (NM_004655.3); c.1872C>G, p.Thr624= (NM_001363813.1).
Identifiers: ClinVar variation 1130057 (VCV001130057.11), dbSNP rs2144440522, ClinGen allele CA501690919.